The following is an entry in ClinVar:

NM_001384140.1(PCDH15):c.1387_1396del (p.Leu463fs)

Gene: PCDH15 (protocadherin related 15; minus strand). Cytogenetic location: 10q21.1.
Variant type: Deletion.
Coding change: c.1387_1396del on transcript NM_001384140.1 (MANE Select); coding-DNA positions 1387 to 1396, 10 bases deleted (CTCACCTTAC; older notation c.1387_1396delCTCACCTTAC).
Protein change: p.Leu463fs; shifts the reading frame from leucine 463.
Molecular consequence: frameshift variant.
Genome position (GRCh38, 1-based): chr10:54,185,178-54,185,187, GTAAGGTGAG deleted on the plus strand (CTCACCTTAC on the coding strand, the reverse complement: PCDH15 is on the minus strand); deleting any 10 consecutive bases within chr10:54,185,178-54,185,190 gives the same sequence; the c. name uses the placement nearest the transcript's 3' end. VCF-style (leftmost placement, unchanged base first): chr10-54185177-AGTAAGGTGAG-A. GRCh37 (hg19) VCF-style: chr10-55944937-AGTAAGGTGAG-A.
Other names: c.1402_1411del, p.Leu468fs (NM_001142763.2, NM_001142771.2); c.1387_1396del, p.Leu463fs (NM_001142764.2, NM_001142765.2, NM_001142766.2 and 6 more transcripts); c.1276_1285del, p.Leu426fs (NM_001142767.2); c.1321_1330del, p.Leu441fs (NM_001142768.2, NM_001142773.2, NM_001354404.2); c.1420_1429delTACCTCACCT, p.Leu475Phefs (NM_001142769.4); c.1408_1417del, p.Leu470fs (NM_001354411.2); short protein forms L426fs, L475fs, L441fs, L463fs, L470fs, L468fs.
Identifiers: ClinVar variation 2768370 (VCV002768370.3), dbSNP rs2539508466, ClinGen allele CA2697558351.

ClinVar aggregate classification (germline): Pathogenic (1 of 4 stars; one submission).

Submission:

Labcorp Genetics (formerly Invitae), Labcorp
Classification: Pathogenic. Last evaluated: 2023-10-14. Review status: criteria provided, single submitter. Criteria: Invitae Variant Classification Sherloc (09022015). Collection method: clinical testing. Allele origin: germline.
Comment: This sequence change creates a premature translational stop signal (p.Leu463Phefs*16) in the PCDH15 gene. It is expected to result in an absent or disrupted protein product. Loss-of-function variants in PCDH15 are known to be pathogenic (PMID: 11398101, 11487575, 14570705). This variant is not present in population databases (gnomAD no frequency). This variant has not been reported in the literature in individuals affected with PCDH15-related conditions. For these reasons, this variant has been classified as Pathogenic.

Literature cited by the submitters: PubMed 11398101; PubMed 11487575; PubMed 14570705.